The following is an entry in ClinVar:

NM_000186.4(CFH):c.3566T>A (p.Leu1189His)

Gene: CFH (complement factor H; plus strand). Cytogenetic location: 1q31.3.
Variant type: single nucleotide variant.
Coding change: c.3566T>A on transcript NM_000186.4 (MANE Select); coding-DNA position 3566, T replaced by A.
Protein change: p.Leu1189His; replaces leucine 1189 with histidine.
Molecular consequence: missense variant.
Genome position (GRCh38, 1-based): chr1:196,747,183, T>A. VCF-style: chr1-196747183-T-A. GRCh37 (hg19) VCF-style: chr1-196716313-T-A.
Other names: short protein forms L1189H.
Identifiers: ClinVar variation 4291613 (VCV004291613.2).

ClinVar aggregate classification (germline): Likely pathogenic (1 of 4 stars; one submission).

Conditions:
Atypical hemolytic-uremic syndrome. Identifiers: Orphanet 2134, MedGen C2931788, MONDO:0016244.

Submission:

Genomenon, Inc
Classification: Likely pathogenic for Atypical hemolytic-uremic syndrome. Last evaluated: 2026-09-17. Review status: criteria provided, single submitter. Criteria: Genomenon Sequence Variant Interpretation Standards - Updated. Collection method: curation. Allele origin: germline. Affected: yes.
Comment: CFH p.Leu1189His (c.3566T>A) is a missense variant that changes the amino acid at codon 1189 from leucine to histidine. This variant has been observed in at least one proband affected with atypical hemolytic-uremic syndrome (PMID: 24671321). Functional studies have been reported (PMID: 34189567). The presence of pathogenic/likely pathogenic missense variant(s) at the same amino acid position indicates that this residue is likely important for protein function. It is absent or not present at a significant frequency in gnomAD. In silico models predict that this variant is possibly or probably damaging. In conclusion, we classify CFH p.Leu1189His (c.3566T>A) as a likely pathogenic variant.

Literature cited by the submitters: PubMed 24671321; PubMed 34189567.